The following is an entry in ClinVar:

NM_018294.6(CWF19L1):c.452T>G (p.Ile151Ser)

Gene: CWF19L1 (CWF19 like cell cycle control factor 1; minus strand). Cytogenetic location: 10q24.31.
Variant type: single nucleotide variant.
Coding change: c.452T>G on transcript NM_018294.6 (MANE Select); coding-DNA position 452, T replaced by G.
Protein change: p.Ile151Ser; replaces isoleucine 151 with serine.
Molecular consequence: missense variant. On other transcripts: intron variant (1).
Genome position (GRCh38, 1-based): chr10:100,256,314, A>C on the plus strand (T>G on the coding strand, the complement: CWF19L1 is on the minus strand). VCF-style: chr10-100256314-A-C. GRCh37 (hg19) VCF-style: chr10-102016071-A-C.
Other names: c.452T>G, p.Ile151Ser (NM_001303404.2); c.41T>G, p.Ile14Ser (NM_001303405.2, NM_001303406.2); c.-231-2775T>G (NM_001303407.2); short protein forms I14S, I151S.
Identifiers: ClinVar variation 2497673 (VCV002497673.2), dbSNP rs1236392229, ClinGen allele CA378159656.
Genomic context (GRCh38, chr10:100,256,314, plus strand): 5'-CTACTCACAGAAGAATTCCCAAAGTTCCCCACACACTTGGGCCATGGGGATGTGAGCAAG[A>C]TATCAACACCCTTAAACTGGGAGGTTGTACACAGCATCATTCTCAGAGAAGACACATCCT-3'
Protein context (NP_060764.3, residues 141-161): CTTSQFKGVD[Ile151Ser]LLTSPWPKCV

ClinVar aggregate classification (germline): Likely pathogenic (1 of 4 stars; one submission).

Conditions:
Autosomal recessive spinocerebellar ataxia 17. Identifiers: Orphanet 453521, MedGen C4015301, MONDO:0014503, OMIM 616127.

Submission:

Institute of Bioinformatics
Classification: Likely pathogenic for Autosomal recessive spinocerebellar ataxia 17. Last evaluated: 2023-03-14. Review status: criteria provided, single submitter. Criteria: ACMG Guidelines, 2015. Collection method: research. Allele origin: germline. Inheritance: Autosomal recessive inheritance. Affected: yes. Observed: 3 variant alleles, 2 heterozygotes, 1 homozygote. Clinical features observed: Cerebellar ataxia (HP:0001251).
Comment: Clinical characteristics of the patient correlated with the published reports